The following is an entry in ClinVar:

NM_006514.4(SCN10A):c.4673C>G (p.Ala1558Gly)

Gene: SCN10A (sodium voltage-gated channel alpha subunit 10; minus strand). Cytogenetic location: 3p22.2.
Variant type: single nucleotide variant.
Coding change: c.4673C>G on transcript NM_006514.4 (MANE Select); coding-DNA position 4673, C replaced by G.
Protein change: p.Ala1558Gly; replaces alanine 1558 with glycine.
Molecular consequence: missense variant.
Genome position (GRCh38, 1-based): chr3:38,698,547, G>C on the plus strand (C>G on the coding strand, the complement: SCN10A is on the minus strand). VCF-style: chr3-38698547-G-C. GRCh37 (hg19) VCF-style: chr3-38740038-G-C.
Other names: c.4670C>G, p.Ala1557Gly (NM_001293306.2); c.4379C>G, p.Ala1460Gly (NM_001293307.2); short protein forms A1460G, A1557G, A1558G.
Identifiers: ClinVar variation 3438156 (VCV003438156.1).
Genomic context (GRCh38, chr3:38,698,547, plus strand): 5'-GCCAGGCGGATGACTCTGAAGAGCGTTGGGGAGAAGTAACTTTGAAGTGACTTAAGAATT[G>C]CAGAAAAAATCAGGCCTTTAAAAGAAGGAAGAAATTATCTAATTAGTATCTCCAGCCATG-3'
Protein context (NP_006505.4, residues 1548-1568): VLSIASLIFS[Ala1558Gly]ILKSLQSYFS

ClinVar aggregate classification (germline): Uncertain significance (1 of 4 stars; one submission).

Conditions:
Cardiovascular phenotype. Identifiers: MedGen CN230736.

Submission:

Ambry Genetics
Classification: Uncertain significance for Cardiovascular phenotype. Last evaluated: 2024-11-23. Review status: criteria provided, single submitter. Criteria: Ambry Variant Classification Scheme 2023. Collection method: clinical testing. Allele origin: germline.
Comment: The p.A1558G variant (also known as c.4673C>G), located in coding exon 27 of the SCN10A gene, results from a C to G substitution at nucleotide position 4673. The alanine at codon 1558 is replaced by glycine, an amino acid with similar properties. This amino acid position is conserved. In addition, this alteration is predicted to be tolerated by in silico analysis. Based on the available evidence, the clinical significance of this variant remains unclear.